The following is an entry in ClinVar:

ClinVar aggregate classification (germline): Likely benign (1 of 4 stars; one submission).

Conditions:
ADGRV1-related disorder. Also called: ADGRV1-related condition; ADGRV1-related disorders.

Submission:

PreventionGenetics, part of Exact Sciences
Classification: Likely benign for ADGRV1-related condition. Last evaluated: 2025-03-21. Review status: criteria provided, single submitter. Criteria: ACMG Guidelines, 2015. Collection method: clinical testing. Allele origin: germline.
Comment: This variant is classified as likely benign based on ACMG/AMP sequence variant interpretation guidelines (Richards et al. 2015 PMID: 25741868, with internal and published modifications).

NM_032119.4(ADGRV1):c.18862T>C (p.Leu6288=)

Gene: ADGRV1 (adhesion G protein-coupled receptor V1; plus strand). Cytogenetic location: 5q14.3.
Variant type: single nucleotide variant.
Coding change: c.18862T>C on transcript NM_032119.4 (MANE Select); coding-DNA position 18862, T replaced by C.
Protein change: p.Leu6288=; no amino-acid change (leucine 6288 retained).
Molecular consequence: synonymous variant. On other transcripts: non-coding transcript variant (1).
Genome position (GRCh38, 1-based): chr5:91,163,841, T>C. VCF-style: chr5-91163841-T-C. GRCh37 (hg19) VCF-style: chr5-90459658-T-C.
Identifiers: ClinVar variation 4998999 (VCV004998999.1).